The following is an entry in ClinVar:

ClinVar aggregate classification (germline): Likely benign. Review status: criteria provided, multiple submitters, no conflicts (2 of 4 stars). 2 submissions from 2 submitters: Likely benign (2). Last evaluated 2026-04-01.

Conditions:
Developmental and epileptic encephalopathy, 30 (DEE30). Also called: Epileptic encephalopathy, early infantile, 30. Identifiers: MedGen C4225360, MONDO:0014595, OMIM 616341.

Submissions (2):

CeGaT Center for Human Genetics Tuebingen
Classification: Likely benign. Last evaluated: 2026-04-01. Review status: criteria provided, single submitter. Criteria: CeGaT Center For Human Genetics Tuebingen Variant Classification Criteria Version 2. Collection method: clinical testing. Allele origin: germline. Affected: yes. Observed: 1 variant allele.
Comment: SIK1: PM2:Supporting, BP4, BP7

Labcorp Genetics (formerly Invitae), Labcorp
Classification: Likely benign for Developmental and epileptic encephalopathy, 30. Last evaluated: 2024-04-16. Review status: criteria provided, single submitter. Criteria: Invitae Variant Classification Sherloc (09022015). Collection method: clinical testing. Allele origin: germline.

NM_173354.5(SIK1):c.1855C>A (p.Arg619=)

Gene: SIK1 (salt inducible kinase 1; minus strand). Cytogenetic location: 21q22.3.
Variant type: single nucleotide variant.
Coding change: c.1855C>A on transcript NM_173354.5 (MANE Select); coding-DNA position 1855, C replaced by A.
Protein change: p.Arg619=; no amino-acid change (arginine 619 retained).
Molecular consequence: synonymous variant.
Genome position (GRCh38, 1-based): chr21:43,417,664, G>T on the plus strand (C>A on the coding strand, the complement: SIK1 is on the minus strand). VCF-style: chr21-43417664-G-T. GRCh37 (hg19) VCF-style: chr21-44837544-G-T.
Identifiers: ClinVar variation 3649911 (VCV003649911.4).